The following is an entry in ClinVar:

NM_004415.4(DSP):c.4763_4765del (p.Ser1588del)

Gene: DSP (desmoplakin; plus strand). Cytogenetic location: 6p24.3.
Variant type: Deletion.
Coding change: c.4763_4765del on transcript NM_004415.4 (MANE Select); coding-DNA positions 4763 to 4765, 3 bases deleted (CCT; older notation c.4763_4765delCCT).
Protein change: p.Ser1588del; deletes serine 1588.
Molecular consequence: inframe deletion. On other transcripts: intron variant (2).
Genome position (GRCh38, 1-based): chr6:7,580,953-7,580,955, CCT deleted; deleting any 3 consecutive bases within chr6:7,580,951-7,580,955 gives the same sequence; the c. name uses the placement nearest the transcript's 3' end. VCF-style (leftmost placement, unchanged base first): chr6-7580950-ACTC-A. GRCh37 (hg19) VCF-style: chr6-7581183-ACTC-A.
Other names: c.4050+713_4050+715del (NM_001319034.2); c.3582+1181_3582+1183del (NM_001008844.3); short protein forms S1588del.
Identifiers: ClinVar variation 918969 (VCV000918969.7), dbSNP rs1010996982, ClinGen allele CA133970287.
Genomic context (GRCh38, chr6:7,580,950, plus strand): 5'-AGCTGCAGAAGCAGAAGGTGGAAGAGGAGCTGAATCGGCTGAAGAGGACCGCGTCAGAAG[ACTC>A]CTGCAAGAGGAAGAAGCTGGAGGAAGAGCTGGAAGGCATGAGGAGGTCGCTGAAGGAGCA-3'

ClinVar aggregate classification (germline): Uncertain significance. Review status: criteria provided, multiple submitters, no conflicts (2 of 4 stars). 3 submissions from 3 submitters: Uncertain significance (3). Last evaluated 2025-12-03.

Conditions:
Arrhythmogenic cardiomyopathy with wooly hair and keratoderma. Also called: PALMOPLANTAR KERATODERMA WITH LEFT VENTRICULAR CARDIOMYOPATHY AND WOOLLY HAIR; Carvajal syndrome; Dilated cardiomyopathy with woolly hair and keratoderma; Arrhythmogenic cardiomyopathy with woolly hair and keratoderma. Identifiers: Orphanet 65282, MedGen C1854063, MONDO:0011581, OMIM 605676.
Woolly hair-skin fragility syndrome (WHSF). Identifiers: Orphanet 293165, MedGen C1843292, MONDO:0957307, OMIM 620415.
Cardiomyopathy, dilated, with wooly hair, keratoderma, and tooth agenesis. Also called: Cardiomyopathy, dilated, with woolly hair, keratoderma, and tooth agenesis; Erythrokeratodermia-cardiomyopathy syndrome. Identifiers: Orphanet 476096, Orphanet 65282, MedGen C4014393, MONDO:0014355, OMIM 615821.
Lethal acantholytic epidermolysis bullosa (EBLA). Identifiers: Orphanet 158687, MedGen C1864826, MONDO:0012323, OMIM 609638.
Arrhythmogenic right ventricular dysplasia 8 (ARVD8). Also called: Arrhythmogenic Right Ventricular Dysplasia/Cardiomyopathy 8; ARRHYTHMOGENIC RIGHT VENTRICULAR DYSPLASIA, FAMILIAL, 8; ARRHYTHMOGENIC RIGHT VENTRICULAR CARDIOMYOPATHY 8. Identifiers: MedGen C1843896, MONDO:0011831, OMIM 607450.
Keratosis palmoplantaris striata 2. Also called: KERATODERMA, PALMOPLANTAR, STRIATE FORM II; STRIATE PALMOPLANTAR KERATODERMA II; Keratosis palmoplantaris striata II. Identifiers: MedGen C1852127, MONDO:0013034, OMIM 612908.
Cardiomyopathy (CMYO). Also called: Cardiomyopathies. Identifiers: Orphanet 167848, MedGen C0878544, MONDO:0004994, HP:0001638. Inheritance: Various modes of inheritance.

Submissions (3):

Labcorp Genetics (formerly Invitae), Labcorp
Classification: Uncertain significance for Arrhythmogenic cardiomyopathy with wooly hair and keratoderma; Arrhythmogenic right ventricular dysplasia 8. Last evaluated: 2025-12-03. Review status: criteria provided, single submitter. Criteria: Invitae Variant Classification Sherloc (09022015). Collection method: clinical testing. Allele origin: germline.
Comment: This variant, c.4763_4765del, results in the deletion of 1 amino acid(s) of the DSP protein (p.Ser1588del), but otherwise preserves the integrity of the reading frame. This variant is present in population databases (no rsID available, gnomAD 0.007%). This variant has not been reported in the literature in individuals affected with DSP-related conditions. ClinVar contains an entry for this variant (Variation ID: 918969). Experimental studies and prediction algorithms are not available or were not evaluated, and the functional significance of this variant is currently unknown. In summary, the available evidence is currently insufficient to determine the role of this variant in disease. Therefore, it has been classified as a Variant of Uncertain Significance.

Fulgent Genetics
Classification: Uncertain significance for Arrhythmogenic cardiomyopathy with wooly hair and keratoderma; Arrhythmogenic right ventricular dysplasia 8; Lethal acantholytic epidermolysis bullosa; Keratosis palmoplantaris striata 2; Cardiomyopathy, dilated, with wooly hair, keratoderma, and tooth agenesis. Last evaluated: 2021-11-04. Review status: criteria provided, single submitter. Criteria: ACMG Guidelines, 2015. Collection method: clinical testing. Allele origin: unknown.

Color Diagnostics, LLC DBA Color Health
Classification: Uncertain significance for Cardiomyopathy. Last evaluated: 2019-07-26. Review status: criteria provided, single submitter. Criteria: ACMG Guidelines, 2015. Collection method: clinical testing. Allele origin: germline.
Comment: This variant deletes a single amino acid in the DSP protein. Computational splicing tools suggest that this variant may not impact RNA splicing. To our knowledge, functional assays have not been performed for this variant nor has this variant been reported in individuals affected with cardiovascular disorders in the literature. This variant has been identified in 1/31380 chromosomes in the general population by the Genome Aggregation Database (gnomAD). Available evidence is insufficient to determine the role of this variant in disease conclusively. Therefore, this variant is classified as a Variant of Uncertain Significance.